The following is an entry in ClinVar:

ClinVar aggregate classification (germline): Uncertain significance. Review status: criteria provided, multiple submitters, no conflicts (2 of 4 stars). 2 submissions from 2 submitters: Uncertain significance (2). Last evaluated 2025-05-05.

Conditions:
Hereditary cancer-predisposing syndrome. Also called: Neoplastic Syndromes, Hereditary; Hereditary neoplastic syndrome; Tumor predisposition; Hereditary Cancer Syndrome. Identifiers: Orphanet 140162, MedGen C0027672, MeSH D009386, MONDO:0015356.
Tuberous sclerosis 1 (TSC1). Identifiers: Orphanet 805, MedGen C1854465, MONDO:0008612, OMIM 191100.

Submissions (2):

Ambry Genetics
Classification: Uncertain significance for Hereditary cancer-predisposing syndrome. Last evaluated: 2025-05-05. Review status: criteria provided, single submitter. Criteria: Ambry Variant Classification Scheme 2023. Collection method: clinical testing. Allele origin: germline.
Comment: The p.Q778L variant (also known as c.2333A>T), located in coding exon 16 of the TSC1 gene, results from an A to T substitution at nucleotide position 2333. The glutamine at codon 778 is replaced by leucine, an amino acid with dissimilar properties. This amino acid position is conserved. In addition, this alteration is predicted to be deleterious by in silico analysis. Based on the available evidence, the clinical significance of this variant remains unclear.

Labcorp Genetics (formerly Invitae), Labcorp
Classification: Uncertain significance for Tuberous sclerosis 1. Last evaluated: 2022-11-29. Review status: criteria provided, single submitter. Criteria: Invitae Variant Classification Sherloc (09022015). Collection method: clinical testing. Allele origin: germline.
Comment: This sequence change replaces glutamine, which is neutral and polar, with leucine, which is neutral and non-polar, at codon 778 of the TSC1 protein (p.Gln778Leu). In summary, the available evidence is currently insufficient to determine the role of this variant in disease. Therefore, it has been classified as a Variant of Uncertain Significance. Advanced modeling of protein sequence and biophysical properties (such as structural, functional, and spatial information, amino acid conservation, physicochemical variation, residue mobility, and thermodynamic stability) performed at Invitae indicates that this missense variant is not expected to disrupt TSC1 protein function. ClinVar contains an entry for this variant (Variation ID: 840968). This variant has not been reported in the literature in individuals affected with TSC1-related conditions. This variant is not present in population databases (gnomAD no frequency).

NM_000368.5(TSC1):c.2333A>T (p.Gln778Leu)

Gene: TSC1 (TSC complex subunit 1; minus strand). Cytogenetic location: 9q34.13.
Variant type: single nucleotide variant.
Coding change: c.2333A>T on transcript NM_000368.5 (MANE Select); coding-DNA position 2333, A replaced by T.
Protein change: p.Gln778Leu; replaces glutamine 778 with leucine.
Molecular consequence: missense variant.
Genome position (GRCh38, 1-based): chr9:132,902,663, T>A on the plus strand (A>T on the coding strand, the complement: TSC1 is on the minus strand). VCF-style: chr9-132902663-T-A. GRCh37 (hg19) VCF-style: chr9-135778050-T-A.
Other names: c.2330A>T, p.Gln777Leu (NM_001162426.2); c.2180A>T, p.Gln727Leu (NM_001162427.2); c.1970A>T, p.Gln657Leu (NM_001362177.2); short protein forms Q727L, Q777L, Q657L, Q778L.
Identifiers: ClinVar variation 840968 (VCV000840968.10), dbSNP rs1845445850, ClinGen allele CA375359458.